The following is an entry in ClinVar:

NM_001035.3(RYR2):c.2988G>A (p.Val996=)

Gene: RYR2 (ryanodine receptor 2; plus strand). Cytogenetic location: 1q43.
Variant type: single nucleotide variant.
Coding change: c.2988G>A on transcript NM_001035.3 (MANE Select); coding-DNA position 2988, G replaced by A.
Protein change: p.Val996=; no amino-acid change (valine 996 retained).
Molecular consequence: synonymous variant.
Genome position (GRCh38, 1-based): chr1:237,548,512, G>A. VCF-style: chr1-237548512-G-A. GRCh37 (hg19) VCF-style: chr1-237711812-G-A.
Identifiers: ClinVar variation 3385698 (VCV003385698.1).

ClinVar aggregate classification (germline): Likely benign (1 of 4 stars; one submission).

Conditions:
Catecholaminergic polymorphic ventricular tachycardia (CVPT). Also called: Catecholamine-induced polymorphic ventricular tachycardia. Identifiers: Orphanet 3286, MedGen C5574922, MONDO:0017990.

Submission:

All of Us Research Program, National Institutes of Health
Classification: Likely benign for Catecholaminergic polymorphic ventricular tachycardia. Last evaluated: 2024-05-14. Review status: criteria provided, single submitter. Criteria: ACMG Guidelines, 2015. Collection method: clinical testing. Allele origin: germline. Inheritance: Autosomal dominant inheritance. Observed: 1 variant allele, 1 heterozygote.
Comment: This study involves interpretation of variants in research participants for the purpose of population health screening. Participant phenotype was not available at the time of variant classification. Additional details can be found in publication PMID: 35346344, PMCID: PMC8962531